The following is an entry in ClinVar:

NM_012452.3(TNFRSF13B):c.55G>A (p.Glu19Lys)

Gene: TNFRSF13B (TNF receptor superfamily member 13B; minus strand). Cytogenetic location: 17p11.2.
Variant type: single nucleotide variant.
Coding change: c.55G>A on transcript NM_012452.3 (MANE Select); coding-DNA position 55, G replaced by A.
Protein change: p.Glu19Lys; replaces glutamic acid 19 with lysine.
Molecular consequence: missense variant.
Genome position (GRCh38, 1-based): chr17:16,972,021, C>T on the plus strand (G>A on the coding strand, the complement: TNFRSF13B is on the minus strand). VCF-style: chr17-16972021-C-T. GRCh37 (hg19) VCF-style: chr17-16875335-C-T.
Other names: short protein forms E19K.
Identifiers: ClinVar variation 2170615 (VCV002170615.4), dbSNP rs1232982545, ClinGen allele CA398520590.

ClinVar aggregate classification (germline): Uncertain significance (1 of 4 stars; one submission).

Conditions:
Immunodeficiency, common variable, 2 (CVID2). Also called: ANTIBODY DEFICIENCY DUE TO TACI DEFECT; HYPOGAMMAGLOBULINEMIA DUE TO TACI DEFICIENCY. Identifiers: Orphanet 1572, MedGen C3150354, MONDO:0009413, OMIM 240500.

Allele frequency attached by ClinVar (database versions not stated): gnomAD exomes below 0.00001.
gnomAD v4.1: 1 of 1,614,186 alleles (0.000062%); highest among the groups gnomAD compares: Admixed American, 0.0017%; no homozygotes.

Submission:

Labcorp Genetics (formerly Invitae), Labcorp
Classification: Uncertain significance for Immunodeficiency, common variable, 2. Last evaluated: 2022-03-04. Review status: criteria provided, single submitter. Criteria: Invitae Variant Classification Sherloc (09022015). Collection method: clinical testing. Allele origin: germline.
Comment: In summary, the available evidence is currently insufficient to determine the role of this variant in disease. Therefore, it has been classified as a Variant of Uncertain Significance. Algorithms developed to predict the effect of missense changes on protein structure and function (SIFT, PolyPhen-2, Align-GVGD) all suggest that this variant is likely to be tolerated. This variant has not been reported in the literature in individuals affected with TNFRSF13B-related conditions. This variant is present in population databases (no rsID available, gnomAD 0.003%). This sequence change replaces glutamic acid, which is acidic and polar, with lysine, which is basic and polar, at codon 19 of the TNFRSF13B protein (p.Glu19Lys).